The following is an entry in ClinVar:

ClinVar aggregate classification (germline): Uncertain significance (1 of 4 stars; one submission).

gnomAD v4.1: 14 of 1,607,690 alleles (0.00087%); highest among the groups gnomAD compares: South Asian, 0.0066%; no homozygotes.

Submission:

GeneDx
Classification: Uncertain significance. Last evaluated: 2024-04-05. Review status: criteria provided, single submitter. Criteria: GeneDx Variant Classification Process June 2021. Collection method: clinical testing. Allele origin: germline. Affected: yes.
Comment: Previously observed in the homozygous state, with the A475V variant in cis, in affected members of a family with acid-labile subunit deficiency (ACLSD) (PMID: 28445628); The A475V and L409F variants were observed in cis, in the compound heterozygous state with another IGFALS variant in affected members of a family with acid-labile subunit deficiency (ACLSD) (PMID: 27018247); Published functional studies demonstrate that L409S impairs ALS function in vitro (PMID: 27018247); In silico analysis supports that this missense variant has a deleterious effect on protein structure/function; This variant is associated with the following publications: (PMID: 27018247, 28445628)

NM_004970.3(IGFALS):c.1225C>T (p.Leu409Phe)

Gene: IGFALS (insulin like growth factor binding protein acid labile subunit; minus strand). Cytogenetic location: 16p13.3.
Variant type: single nucleotide variant.
Coding change: c.1225C>T on transcript NM_004970.3 (MANE Select); coding-DNA position 1225, C replaced by T.
Protein change: p.Leu409Phe; replaces leucine 409 with phenylalanine.
Molecular consequence: missense variant. On other transcripts: non-coding transcript variant (1).
Genome position (GRCh38, 1-based): chr16:1,791,193, G>A on the plus strand (C>T on the coding strand, the complement: IGFALS is on the minus strand). VCF-style: chr16-1791193-G-A. GRCh37 (hg19) VCF-style: chr16-1841194-G-A.
Other names: c.1339C>T, p.Leu447Phe (NM_001146006.2); short protein forms L409F, L447F.
Identifiers: ClinVar variation 3359743 (VCV003359743.1).